The following is an entry in ClinVar:

ClinVar aggregate classification (germline): Likely pathogenic (0 of 4 stars; one submission).

Conditions:
Congenital secretory diarrhea, chloride type (DIAR1). Also called: DIARRHEA 1, SECRETORY CHLORIDE, CONGENITAL; CHLORIDORRHEA, CONGENITAL; CHLORIDE DIARRHEA, CONGENITAL, FINNISH TYPE. Identifiers: Orphanet 53689, MedGen C0267662, MONDO:0008964, OMIM 214700.

Submission:

Juha Muilu Group; Institute for Molecular Medicine Finland (FIMM)
Classification: Likely pathogenic for Congenital secretory diarrhea, chloride type. Review status: no assertion criteria provided. Collection method: not provided. Allele origin: unknown.
Comment: FinDis database variant: This variant was not found or characterized by our laboratory, data were collected from public sources: see reference
ClinVar note: Converted during submission from probable-pathogenic to Likely pathogenic.

NM_000111.3(SLC26A3):c.2116del (p.Ser706fs)

Gene: SLC26A3 (solute carrier family 26 member 3; minus strand). Cytogenetic location: 7q22.3.
Variant type: Deletion.
Coding change: c.2116del on transcript NM_000111.3 (MANE Select); coding-DNA position 2116, one base deleted (A; older notation c.2116delA).
Protein change: p.Ser706fs; shifts the reading frame from serine 706.
Molecular consequence: frameshift variant.
Genome position (GRCh38, 1-based): chr7:107,767,855, T deleted on the plus strand (A on the coding strand, the reverse complement: SLC26A3 is on the minus strand); the first of 4 consecutive T bases (chr7:107,767,855-107,767,858); deleting any one gives the same sequence. VCF-style (leftmost placement, unchanged base first): chr7-107767854-CT-C. GRCh37 (hg19) VCF-style: chr7-107408299-CT-C.
Other names: c.2116delA (NM_000111.2); short protein forms S706fs.
Identifiers: ClinVar variation 55991 (VCV000055991.2), dbSNP rs386833473, ClinGen allele CA144085.